The following is an entry in ClinVar:

ClinVar aggregate classification (germline): Likely benign. Review status: criteria provided, multiple submitters, no conflicts (2 of 4 stars). 2 submissions from 2 submitters: Likely benign (2). Last evaluated 2018-01-12.

Conditions:
Congenital stationary night blindness 1C. Also called: Night blindness, congenital stationary (complete), 1C, autosomal recessive. Identifiers: Orphanet 215, MedGen C2750747, MONDO:0013183, OMIM 613216.

Allele frequency attached by ClinVar (database versions not stated): 1000 Genomes Project 30x 0.00312; 1000 Genomes Project 0.00339; gnomAD exomes 0.00969; TOPMed 0.01007; gnomAD 0.01437 and 0.01490.
gnomAD v4.1: 2,234 of 161,024 alleles (1.4%); highest among the groups gnomAD compares: Non-Finnish European, 1.8%; 37 homozygotes.

Submissions (2):

Illumina Laboratory Services, Illumina
Classification: Likely benign for Congenital stationary night blindness 1C. Last evaluated: 2018-01-12. Review status: criteria provided, single submitter. Criteria: ICSL Variant Classification Criteria 13 December 2019. Collection method: clinical testing. Allele origin: germline.
Comment: This variant was observed in the ICSL laboratory as part of a predisposition screen in an ostensibly healthy population. It had not been previously curated by ICSL or reported in the Human Gene Mutation Database (HGMD: prior to June 1st, 2018), and was therefore a candidate for classification through an automated scoring system. Utilizing variant allele frequency, disease prevalence and penetrance estimates, and inheritance mode, an automated score was calculated to assess if this variant is too frequent to cause the disease. Based on the score and internal cut-off values, a variant classified as likely benign is not then subjected to further curation. The score for this variant resulted in a classification of likely benign for this disease.

Breakthrough Genomics
Classification: Likely benign. Review status: criteria provided, single submitter. Criteria: ACMG Guidelines, 2015. Collection method: not provided. Allele origin: germline. Inheritance: Unknown mechanism. Affected: yes.

NM_001252024.2(TRPM1):c.*447G>C

Gene: TRPM1 (transient receptor potential cation channel subfamily M member 1; minus strand). Cytogenetic location: 15q13.3.
Variant type: single nucleotide variant.
Coding change: c.*447G>C on transcript NM_001252024.2 (MANE Select); 447 bases downstream of the stop codon, G replaced by C.
Molecular consequence: 3 prime UTR variant.
Genome position (GRCh38, 1-based): chr15:31,001,375, C>G on the plus strand (G>C on the coding strand, the complement: TRPM1 is on the minus strand). VCF-style: chr15-31001375-C-G. GRCh37 (hg19) VCF-style: chr15-31293578-C-G.
Other names: c.*447G>C (NM_001252020.2, NM_002420.6).
Identifiers: ClinVar variation 315483 (VCV000315483.6), dbSNP rs35415636, ClinGen allele CA10645630.